The following is an entry in ClinVar:

NM_006231.4(POLE):c.1338G>A (p.Arg446=)

Gene: POLE (DNA polymerase epsilon, catalytic subunit; minus strand). Cytogenetic location: 12q24.33.
Variant type: single nucleotide variant.
Coding change: c.1338G>A on transcript NM_006231.4 (MANE Select); coding-DNA position 1338, G replaced by A.
Protein change: p.Arg446=; no amino-acid change (arginine 446 retained).
Molecular consequence: synonymous variant.
Genome position (GRCh38, 1-based): chr12:132,673,596, C>T on the plus strand (G>A on the coding strand, the complement: POLE is on the minus strand). VCF-style: chr12-132673596-C-T. GRCh37 (hg19) VCF-style: chr12-133250182-C-T.
Other names: c.1338G>A (NM_006231.2).
Identifiers: ClinVar variation 3904137 (VCV003904137.2).

ClinVar aggregate classification (germline): Benign/Likely benign. Review status: criteria provided, multiple submitters, no conflicts (2 of 4 stars). 2 submissions from 2 submitters: Benign (1); Likely benign (1). Last evaluated 2026-01-27.

Conditions:
Colorectal cancer, susceptibility to, 12 (CRCS12). Also called: COLORECTAL CANCER, SUSCEPTIBILITY TO, ON CHROMOSOME 12q24. Identifiers: Orphanet 220460, MedGen C3554460, MONDO:0014038, OMIM 615083.
Hereditary cancer-predisposing syndrome. Also called: Neoplastic Syndromes, Hereditary; Tumor predisposition; Hereditary neoplastic syndrome; Hereditary Cancer Syndrome. Identifiers: Orphanet 140162, MedGen C0027672, MeSH D009386, MONDO:0015356.

Submissions (2):

Ambry Genetics
Classification: Likely benign for Hereditary cancer-predisposing syndrome. Last evaluated: 2026-01-27. Review status: criteria provided, single submitter. Criteria: Ambry Variant Classification Scheme 2023. Collection method: clinical testing. Allele origin: germline.

Myriad Genetics, Inc.
Classification: Benign for Colorectal cancer, susceptibility to, 12. Last evaluated: 2025-02-10. Review status: criteria provided, single submitter. Criteria: Myriad Autosomal Dominant, Autosomal Recessive and X-Linked Classification Criteria (2023). Collection method: clinical testing. Allele origin: unknown.
Comment: This variant is considered benign. This variant is a silent/synonymous amino acid change and it is not expected to impact splicing.